The following is an entry in ClinVar:

NM_005502.4(ABCA1):c.2335G>A (p.Ala779Thr)

Gene: ABCA1 (ATP binding cassette subfamily A member 1; minus strand). Cytogenetic location: 9q31.1.
Variant type: single nucleotide variant.
Coding change: c.2335G>A on transcript NM_005502.4 (MANE Select); coding-DNA position 2335, G replaced by A.
Protein change: p.Ala779Thr; replaces alanine 779 with threonine.
Molecular consequence: missense variant.
Genome position (GRCh38, 1-based): chr9:104,826,950, C>T on the plus strand (G>A on the coding strand, the complement: ABCA1 is on the minus strand). VCF-style: chr9-104826950-C-T. GRCh37 (hg19) VCF-style: chr9-107589231-C-T.
Other names: short protein forms A779T.
Identifiers: ClinVar variation 2906971 (VCV002906971.1), dbSNP rs201642049, ClinGen allele CA5168758.

ClinVar aggregate classification (germline): Uncertain significance (1 of 4 stars; one submission).

gnomAD v4.1: 106 of 1,613,330 alleles (0.0066%); highest among the groups gnomAD compares: Non-Finnish European, 0.0086%; no homozygotes.

Submission:

Labcorp Genetics (formerly Invitae), Labcorp
Classification: Uncertain significance. Last evaluated: 2023-11-27. Review status: criteria provided, single submitter. Criteria: Invitae Variant Classification Sherloc (09022015). Collection method: clinical testing. Allele origin: germline.
Comment: This sequence change replaces alanine, which is neutral and non-polar, with threonine, which is neutral and polar, at codon 779 of the ABCA1 protein (p.Ala779Thr). This variant is present in population databases (rs201642049, gnomAD 0.009%). This variant has not been reported in the literature in individuals affected with ABCA1-related conditions. An algorithm developed to predict the effect of missense changes on protein structure and function (PolyPhen-2) suggests that this variant¬†is likely to be tolerated. In summary, the available evidence is currently insufficient to determine the role of this variant in disease. Therefore, it has been classified as a Variant of Uncertain Significance.